The following is an entry in ClinVar:

ClinVar aggregate classification (germline): Uncertain significance (1 of 4 stars; one submission).

Conditions:
Progressive myoclonic epilepsy type 5. Identifiers: Orphanet 402082, MedGen C5190799.

Allele frequency attached by ClinVar (database versions not stated): TOPMed below 0.00001.

Submission:

Labcorp Genetics (formerly Invitae), Labcorp
Classification: Uncertain significance for Progressive myoclonic epilepsy type 5. Last evaluated: 2022-01-17. Review status: criteria provided, single submitter. Criteria: Invitae Variant Classification Sherloc (09022015). Collection method: clinical testing. Allele origin: germline.
Comment: In summary, the available evidence is currently insufficient to determine the role of this variant in disease. Therefore, it has been classified as a Variant of Uncertain Significance. Algorithms developed to predict the effect of missense changes on protein structure and function are either unavailable or do not agree on the potential impact of this missense change (SIFT: "Deleterious"; PolyPhen-2: "Benign"; Align-GVGD: "Class C15"). This variant has not been reported in the literature in individuals affected with PRICKLE2-related conditions. This variant is not present in population databases (gnomAD no frequency). This sequence change replaces phenylalanine, which is neutral and non-polar, with leucine, which is neutral and non-polar, at codon 599 of the PRICKLE2 protein (p.Phe599Leu).

NM_198859.4(PRICKLE2):c.1797C>A (p.Phe599Leu)

Genes: PRICKLE2 (prickle planar cell polarity protein 2; minus strand), PRICKLE2-AS1 (PRICKLE2 antisense RNA 1; plus strand). Cytogenetic location: 3p14.1.
Variant type: single nucleotide variant.
Coding change: c.1797C>A on transcript NM_198859.4 (MANE Select); coding-DNA position 1797, C replaced by A.
Protein change: p.Phe599Leu; replaces phenylalanine 599 with leucine.
Molecular consequence: missense variant. On other transcripts: non-coding transcript variant (1).
Genome position (GRCh38, 1-based): chr3:64,099,789, G>T on the plus strand (C>A on the coding strand, the complement: PRICKLE2 is on the minus strand). VCF-style: chr3-64099789-G-T. GRCh37 (hg19) VCF-style: chr3-64085465-G-T.
Other names: c.1797C>A, p.Phe599Leu (NM_001370528.1); short protein forms F599L.
Identifiers: ClinVar variation 1388536 (VCV001388536.6), dbSNP rs2076625828, ClinGen allele CA353427920.